The following is an entry in ClinVar:

NM_000179.3(MSH6):c.1918del (p.Glu640fs)

Gene: MSH6 (mutS homolog 6; plus strand). Cytogenetic location: 2p16.3.
Variant type: Deletion.
Coding change: c.1918del on transcript NM_000179.3 (MANE Select); coding-DNA position 1918, one base deleted (G; older notation c.1918delG).
Protein change: p.Glu640fs; shifts the reading frame from glutamic acid 640.
Molecular consequence: frameshift variant. On other transcripts: non-coding transcript variant (5), intron variant (2).
Genome position (GRCh38, 1-based): chr2:47,799,901, G deleted; the last of 2 consecutive G bases (chr2:47,799,900-47,799,901); deleting either gives the same sequence. VCF-style (leftmost placement, unchanged base first): chr2-47799899-AG-A. GRCh37 (hg19) VCF-style: chr2-48027038-AG-A.
Other names: c.1528del, p.Glu510fs (NM_001281492.2); c.1012del, p.Glu338fs (NM_001281493.2, NM_001281494.2, NM_001406811.1 and 6 more transcripts); c.2014del, p.Glu672fs (NM_001406795.1, NM_001406802.1); c.1918del, p.Glu640fs (NM_001406796.1, NM_001406798.1, NM_001406800.1 and 3 more transcripts); c.1621del, p.Glu541fs (NM_001406797.1, NM_001406801.1, NM_001406805.1 and 10 more transcripts); c.1393del, p.Glu465fs (NM_001406799.1, NM_001406806.1, NM_001406807.1); c.1840del, p.Glu614fs (NM_001406804.1); c.1924del, p.Glu642fs (NM_001406813.1); and 3 more; short protein forms E338fs, E465fs, E510fs, E541fs, E584fs, E614fs, E640fs, E642fs.
Identifiers: ClinVar variation 2673703 (VCV002673703.1), dbSNP rs2530638230, ClinGen allele CA2695200646.

ClinVar aggregate classification (germline): Pathogenic (1 of 4 stars; one submission).

Conditions:
Lynch syndrome 5 (LYNCH5). Also called: Colorectal cancer, hereditary nonpolyposis, type 5; Hereditary non-polyposis colorectal cancer, type 5. Identifiers: Orphanet 144, MedGen C1833477, MONDO:0013710, OMIM 614350. Disease mechanism: loss of function.

Submission:

Myriad Genetics, Inc.
Classification: Pathogenic for Lynch syndrome 5. Last evaluated: 2023-08-16. Review status: criteria provided, single submitter. Criteria: Myriad Autosomal Dominant, Autosomal Recessive and X-Linked Classification Criteria (2023). Collection method: clinical testing. Allele origin: unknown.
Comment: This variant is considered pathogenic. This variant creates a frameshift predicted to result in premature protein truncation.